The following is an entry in ClinVar:

NM_032242.4(PLXNA1):c.3051C>T (p.Pro1017=)

Gene: PLXNA1 (plexin A1; plus strand). Cytogenetic location: 3q21.3.
Variant type: single nucleotide variant.
Coding change: c.3051C>T on transcript NM_032242.4 (MANE Select); coding-DNA position 3051, C replaced by T.
Protein change: p.Pro1017=; no amino-acid change (proline 1017 retained).
Molecular consequence: synonymous variant.
Genome position (GRCh38, 1-based): chr3:127,016,553, C>T. VCF-style: chr3-127016553-C-T. GRCh37 (hg19) VCF-style: chr3-126735396-C-T.
Other names: c.3051C>T (NM_032242.3).
Identifiers: ClinVar variation 2074833 (VCV002074833.29), dbSNP rs143684370, ClinGen allele CA2593880.
Genomic context (GRCh38, chr3:127,016,553, plus strand): 5'-ACTGTCCCACTCGGGCACCTCCAGGAGGAACTCCCGTGAGATCCGGTGCCTGACACCCCC[C>T]GGGCAGAGCCCTGGCAGCGCTCCCATCATCATCAACATCAACCGCGCCCAGCTCACCAAC-3'
Protein context (NP_115618.3, residues 1007-1027): NSREIRCLTP[Pro1017=]GQSPGSAPII

ClinVar aggregate classification (germline): Likely benign. Review status: criteria provided, multiple submitters, no conflicts (2 of 4 stars). 3 submissions from 3 submitters: Likely benign (2). 1 of the submissions does not count toward it. Last evaluated 2023-10-03.

Conditions:
PLXNA1-related disorder. Also called: PLXNA1-related condition.

Allele frequency attached by ClinVar (database versions not stated): ExAC 0.00012; gnomAD 0.00023; TOPMed 0.00030; ESP Exome Variant Server 0.00046.
gnomAD v4.1: 394 of 1,613,834 alleles (0.024%); highest among the groups gnomAD compares: Admixed American, 0.037%; no homozygotes.

Submissions (3):

Labcorp Genetics (formerly Invitae), Labcorp
Classification: Likely benign. Last evaluated: 2023-10-03. Review status: criteria provided, single submitter. Criteria: Invitae Variant Classification Sherloc (09022015). Collection method: clinical testing. Allele origin: germline.

CeGaT Center for Human Genetics Tuebingen
Classification: Likely benign. Last evaluated: 2022-09-01. Review status: criteria provided, single submitter. Criteria: CeGaT Center For Human Genetics Tuebingen Variant Classification Criteria Version 2. Collection method: clinical testing. Allele origin: germline. Affected: yes. Observed: 1 variant allele.
Comment: PLXNA1: BP4, BP7

PreventionGenetics, part of Exact Sciences
Classification: Likely benign for PLXNA1-related condition. Last evaluated: 2021-06-28. Review status: no assertion criteria provided. Collection method: clinical testing. Allele origin: germline. Not counted in ClinVar's aggregate classification.
Comment: This variant is classified as likely benign based on ACMG/AMP sequence variant interpretation guidelines (Richards et al. 2015 PMID: 25741868, with internal and published modifications).